The following is an entry in ClinVar:

ClinVar aggregate classification (germline): Uncertain significance. Review status: criteria provided, multiple submitters, no conflicts (2 of 4 stars). 2 submissions from 2 submitters: Uncertain significance (2). Last evaluated 2020-03-20.

Conditions:
Generalized epilepsy-paroxysmal dyskinesia syndrome (PNKD3). Also called: Generalized epilepsy and paroxysmal dyskinesia; Paroxysmal nonkinesigenic dyskinesia, 3, with or without generalized epilepsy. Identifiers: Orphanet 79137, MedGen C5574945, MONDO:0012276, OMIM 609446.

Submissions (2):

Labcorp Genetics (formerly Invitae), Labcorp
Classification: Uncertain significance for Generalized epilepsy-paroxysmal dyskinesia syndrome. Last evaluated: 2020-03-20. Review status: criteria provided, single submitter. Criteria: Invitae Variant Classification Sherloc (09022015). Collection method: clinical testing. Allele origin: germline.
Comment: This sequence change replaces valine with methionine at codon 117 of the KCNMA1 protein (p.Val117Met). The valine residue is weakly conserved and there is a small physicochemical difference between valine and methionine. This variant is not present in population databases (ExAC no frequency). This variant has not been reported in the literature in individuals with KCNMA1-related conditions. Algorithms developed to predict the effect of missense changes on protein structure and function are either unavailable or do not agree on the potential impact of this missense change (SIFT: "Deleterious"; PolyPhen-2: "Possibly Damaging"; Align-GVGD: "Class C0"). In summary, the available evidence is currently insufficient to determine the role of this variant in disease. Therefore, it has been classified as a Variant of Uncertain Significance.

Blueprint Genetics
Classification: Uncertain significance. Last evaluated: 2018-09-24. Review status: criteria provided, single submitter. Criteria: ACMG Guidelines, 2015. Collection method: clinical testing. Allele origin: germline.

NM_001161352.2(KCNMA1):c.349G>A (p.Val117Met)

Gene: KCNMA1 (potassium calcium-activated channel subfamily M alpha 1; minus strand). Cytogenetic location: 10q22.3.
Variant type: single nucleotide variant.
Coding change: c.349G>A on transcript NM_001161352.2 (MANE Select); coding-DNA position 349, G replaced by A.
Protein change: p.Val117Met; replaces valine 117 with methionine.
Molecular consequence: missense variant.
Genome position (GRCh38, 1-based): chr10:77,637,294, C>T on the plus strand (G>A on the coding strand, the complement: KCNMA1 is on the minus strand). VCF-style: chr10-77637294-C-T. GRCh37 (hg19) VCF-style: chr10-79397052-C-T.
Other names: c.349G>A, p.Val117Met (NM_001014797.3, NM_001161353.2, NM_001271518.2 and 12 more transcripts); short protein forms V117M.
Identifiers: ClinVar variation 1052060 (VCV001052060.12), dbSNP rs1257184004, ClinGen allele CA377412233.
Genomic context (GRCh38, chr10:77,637,294, plus strand): 5'-GCAGAGGGCGGGCGCCCGGGGCGCGCGTTACCTTCGTCTTGCCCCCGCAGTGGCAGCACA[C>T]GGTCCACAGGTACTTGAGCGTCCGCCAGAGCAAGATGATGAAGAGGCCCCCGAAGAAAGT-3'
Protein context (NP_001154824.1, residues 107-127): LWRTLKYLWT[Val117Met]CCHCGGKTKE